The following is an entry in ClinVar:

NM_007294.4(BRCA1):c.1842G>T (p.Lys614Asn)

Gene: BRCA1 (BRCA1 DNA repair associated; minus strand). Cytogenetic location: 17q21.31.
Variant type: single nucleotide variant.
Coding change: c.1842G>T on transcript NM_007294.4 (MANE Select); coding-DNA position 1842, G replaced by T.
Protein change: p.Lys614Asn; replaces lysine 614 with asparagine.
Molecular consequence: missense variant. On other transcripts: intron variant (137).
Genome position (GRCh38, 1-based): chr17:43,093,689, C>A on the plus strand (G>T on the coding strand, the complement: BRCA1 is on the minus strand). VCF-style: chr17-43093689-C-A. GRCh37 (hg19) VCF-style: chr17-41245706-C-A.
Other names: c.1842G>T, p.Lys614Asn (NM_001407642.1, NM_001407652.1, NM_001407684.1 and 30 more transcripts); c.1839G>T, p.Lys613Asn (NM_001407644.1, NM_001407645.1, NM_001407860.1 and 22 more transcripts); c.1833G>T, p.Lys611Asn (NM_001407646.1, NM_001407647.1); c.1719G>T, p.Lys573Asn (NM_001407648.1, NM_001407664.1, NM_001407665.1 and 19 more transcripts); c.1716G>T, p.Lys572Asn (NM_001407649.1, NM_001407670.1, NM_001407671.1 and 11 more transcripts); c.1764G>T, p.Lys588Asn (NM_001407653.1, NM_001407654.1, NM_001407655.1 and 4 more transcripts); c.1761G>T, p.Lys587Asn (NM_001407659.1, NM_001407660.1, NM_001407661.1 and 1 more transcripts); c.1701G>T, p.Lys567Asn (NM_001407692.1, NM_001407694.1, NM_001407695.1 and 29 more transcripts); and 40 more; short protein forms K614N, K567N, K587N, K446N, K543N, K547N, K572N, K573N.
Identifiers: ClinVar variation 252401 (VCV000252401.28), dbSNP rs760109939, ClinGen allele CA057570.

ClinVar aggregate classification (germline): Conflicting classifications of pathogenicity. Review status: criteria provided, conflicting classifications (1 of 4 stars). 8 submissions from 8 submitters: Uncertain significance (7); Likely benign (1). Last evaluated 2025-07-21.

Conditions:
BRCA1-related cancer predisposition. Identifiers: MedGen CN377757, MONDO:0700268.
Hereditary cancer-predisposing syndrome. Also called: Hereditary neoplastic syndrome; Neoplastic Syndromes, Hereditary; Tumor predisposition; Hereditary Cancer Syndrome. Identifiers: Orphanet 140162, MedGen C0027672, MeSH D009386, MONDO:0015356.
Hereditary breast ovarian cancer syndrome. Also called: Hereditary breast and ovarian cancer syndrome (HBOC); Hereditary breast and ovarian cancer; Hereditary breast and ovarian cancer syndrome; Breast and ovarian cancer; Hereditary breast and/or ovarian cancer syndrome; BRCA1- and BRCA2-Associated Hereditary Breast and Ovarian Cancer. Identifiers: Orphanet 145, MedGen C0677776, MeSH D061325, MONDO:0003582. Disease mechanism: loss of function.

gnomAD v4.1: 2 of 1,614,118 alleles (0.00012%); highest among the groups gnomAD compares: East Asian, 0.0022%; no homozygotes.

Submissions (8):

Color Diagnostics, LLC DBA Color Health
Classification: Uncertain significance for Hereditary cancer-predisposing syndrome. Last evaluated: 2025-07-21. Review status: criteria provided, single submitter. Criteria: ACMG Guidelines, 2015. Collection method: clinical testing. Allele origin: germline.
Comment: This missense variant replaces lysine with asparagine at codon 614 of the BRCA1 protein. Computational prediction is inconclusive regarding the impact of this variant on protein structure and function. To our knowledge, functional studies have not been reported for this variant. This variant has not been reported in individuals affected with BRCA1-related disorders in the literature. This variant has been identified in 1/251130 chromosomes in the general population by the Genome Aggregation Database (gnomAD). The available evidence is insufficient to determine the role of this variant in disease conclusively. Therefore, this variant is classified as a Variant of Uncertain Significance.

Ambry Genetics
Classification: Uncertain significance for Hereditary cancer-predisposing syndrome. Last evaluated: 2024-04-11. Review status: criteria provided, single submitter. Criteria: Ambry Variant Classification Scheme 2023. Collection method: clinical testing. Allele origin: germline.
Comment: The p.K614N variant (also known as c.1842G>T), located in coding exon 9 of the BRCA1 gene, results from a G to T substitution at nucleotide position 1842. The lysine at codon 614 is replaced by asparagine, an amino acid with similar properties. This amino acid position is well conserved in available vertebrate species. In addition, the in silico prediction for this alteration is inconclusive. Since supporting evidence is limited at this time, the clinical significance of this alteration remains unclear.

Women's Health and Genetics/Laboratory Corporation of America, LabCorp
Classification: Uncertain significance. Last evaluated: 2024-03-24. Review status: criteria provided, single submitter. Criteria: LabCorp Variant Classification Summary - May 2015. Collection method: clinical testing. Allele origin: germline.
Comment: Variant summary: BRCA1 c.1842G>T (p.Lys614Asn) results in a non-conservative amino acid change in the encoded protein sequence. Five of five in-silico tools predict a damaging effect of the variant on protein function. The variant allele was found at a frequency of 4e-06 in 251130 control chromosomes. The available data on variant occurrences in the general population are insufficient to allow any conclusion about variant significance. To our knowledge, no occurrence of c.1842G>T in individuals affected with Hereditary Breast And Ovarian Cancer Syndrome and no experimental evidence demonstrating its impact on protein function have been reported. ClinVar contains an entry for this variant (Variation ID: 252401). Based on the evidence outlined above, the variant was classified as uncertain significance.

All of Us Research Program, National Institutes of Health
Classification: Uncertain significance for BRCA1-related cancer predisposition. Last evaluated: 2024-03-05. Review status: criteria provided, single submitter. Criteria: ACMG Guidelines, 2015. Collection method: clinical testing. Allele origin: germline. Inheritance: Autosomal dominant inheritance. Observed: 1 variant allele, 1 heterozygote.
Comment: This study involves interpretation of variants in research participants for the purpose of population health screening. Participant phenotype was not available at the time of variant classification. Additional details can be found in publication PMID: 35346344, PMCID: PMC8962531

Labcorp Genetics (formerly Invitae), Labcorp
Classification: Uncertain significance for Hereditary breast ovarian cancer syndrome. Last evaluated: 2024-02-07. Review status: criteria provided, single submitter. Criteria: Invitae Variant Classification Sherloc (09022015). Collection method: clinical testing. Allele origin: germline.
Comment: This sequence change replaces lysine, which is basic and polar, with asparagine, which is neutral and polar, at codon 614 of the BRCA1 protein (p.Lys614Asn). This variant is present in population databases (rs760109939, gnomAD 0.003%). This variant has not been reported in the literature in individuals affected with BRCA1-related conditions. ClinVar contains an entry for this variant (Variation ID: 252401). Advanced modeling of protein sequence and biophysical properties (such as structural, functional, and spatial information, amino acid conservation, physicochemical variation, residue mobility, and thermodynamic stability) performed at Invitae indicates that this missense variant is not expected to disrupt BRCA1 protein function with a negative predictive value of 95%. In summary, the available evidence is currently insufficient to determine the role of this variant in disease. Therefore, it has been classified as a Variant of Uncertain Significance.

University of Washington Department of Laboratory Medicine, University of Washington
Classification: Likely benign for Hereditary cancer-predisposing syndrome. Last evaluated: 2023-03-23. Review status: criteria provided, single submitter. Criteria: Dines et al. (Genet Med. 2020). Collection method: curation. Allele origin: germline.
Comment: Missense variant in a coldspot region where missense variants are very unlikely to be pathogenic (PMID:31911673).

BRCA1 coldspot (exon 11 using historical exon numbering). Reclassification based on statistical prior probability

Quest Diagnostics Nichols Institute San Juan Capistrano
Classification: Uncertain significance. Last evaluated: 2018-10-18. Review status: criteria provided, single submitter. Criteria: Quest Diagnostics criteria. Collection method: clinical testing. Allele origin: germline.

GeneDx
Classification: Uncertain significance. Last evaluated: 2016-12-16. Review status: criteria provided, single submitter. Criteria: GeneDx Variant Classification (06012015). Collection method: clinical testing. Allele origin: germline. Affected: yes.
Comment: This variant is denoted BRCA1 c.1842G>T at the cDNA level, p.Lys614Asn (K614N) at the protein level, and results in the change of a Lysine to an Asparagine (AAG>AAT). Using alternate nomenclature, this variant would be defined as BRCA1 1961G>T. This variant has not, to our knowledge, been published in the literature as pathogenic or benign. BRCA1 Lys614Asn was not observed in approximately 6,500 individuals of European and African American ancestry in the NHLBI Exome Sequencing Project, indicating it is not a common benign variant in these populations. Since Lysine and Asparagine differ in some properties, this is considered a semi-conservative amino acid substitution. BRCA1 Lys614Asn occurs at a position that is not conserved and is located within the DNA binding domain and a region known to interact with multiple other proteins (Narod 2004, Paul 2014). In silico analyses predict that this variant is probably damaging to protein structure and function. Based on currently available information, it is unclear whether BRCA1 Lys614Asn is pathogenic or benign. We consider it to be a variant of uncertain significance.

Literature cited by the submitters: PubMed 26295337 (cited by Quest Diagnostics Nichols Institute San Juan Capistrano).